The following is an entry in ClinVar:

NM_032444.4(SLX4):c.2621G>T (p.Gly874Val)

Gene: SLX4 (SLX4 structure-specific endonuclease subunit; minus strand). Cytogenetic location: 16p13.3.
Variant type: single nucleotide variant.
Coding change: c.2621G>T on transcript NM_032444.4 (MANE Select); coding-DNA position 2621, G replaced by T.
Protein change: p.Gly874Val; replaces glycine 874 with valine.
Molecular consequence: missense variant.
Genome position (GRCh38, 1-based): chr16:3,591,017, C>A on the plus strand (G>T on the coding strand, the complement: SLX4 is on the minus strand). VCF-style: chr16-3591017-C-A. GRCh37 (hg19) VCF-style: chr16-3641018-C-A.
Other names: short protein forms G874V.
Identifiers: ClinVar variation 2117636 (VCV002117636.4), dbSNP rs150402424, ClinGen allele CA394523307.
Genomic context (GRCh38, chr16:3,591,017, plus strand): 5'-ACACCTGCTAGGAGTTGCCCAGAAACCGGACTGCCACCCTCCAGCCAGTCAGCGTCCTCG[C>A]CGGCACCCGCTGCCCTTTCTTCCTGGAGAAGCTTTCGCTGAGTAGCTGCAAATTCATAAA-3'
Protein context (NP_115820.2, residues 864-884): LLQEERAAGA[Gly874Val]EDADWLEGGS

ClinVar aggregate classification (germline): Uncertain significance (1 of 4 stars; one submission).

Conditions:
Fanconi anemia (FA). Also called: Fanconi's anemia. Identifiers: Orphanet 84, MedGen C0015625, MeSH D005199, MONDO:0019391.

Submission:

Labcorp Genetics (formerly Invitae), Labcorp
Classification: Uncertain significance for Fanconi anemia. Last evaluated: 2022-08-31. Review status: criteria provided, single submitter. Criteria: Invitae Variant Classification Sherloc (09022015). Collection method: clinical testing. Allele origin: germline.
Comment: This variant has not been reported in the literature in individuals affected with SLX4-related conditions. In summary, the available evidence is currently insufficient to determine the role of this variant in disease. Therefore, it has been classified as a Variant of Uncertain Significance. Algorithms developed to predict the effect of missense changes on protein structure and function are either unavailable or do not agree on the potential impact of this missense change (SIFT: "Deleterious"; PolyPhen-2: "Benign"; Align-GVGD: "Class C0"). This variant is not present in population databases (gnomAD no frequency). This sequence change replaces glycine, which is neutral and non-polar, with valine, which is neutral and non-polar, at codon 874 of the SLX4 protein (p.Gly874Val).